The following is an entry in ClinVar:

ClinVar aggregate classification (germline): Benign/Likely benign. Review status: criteria provided, multiple submitters, no conflicts (2 of 4 stars). 5 submissions from 5 submitters: Benign (1); Likely benign (4). Last evaluated 2026-04-16.

Conditions:
Ehlers-Danlos syndrome, classic type, 1 (EDSCL1). Also called: Ehlers-Danlos Syndrome, Classic Type, COL5A1-Related; EDS I; EHLERS-DANLOS SYNDROME, GRAVIS TYPE; EHLERS-DANLOS SYNDROME, SEVERE CLASSIC TYPE; Ehlers-Danlos syndrome, type 1. Identifiers: MedGen C0268335, MONDO:0019567, OMIM 130000.
Familial thoracic aortic aneurysm and aortic dissection (TAAD). Also called: Thoracic aortic aneurysms and dissections. Identifiers: Orphanet 91387, MedGen C4707243, MONDO:0019625.

Allele frequency attached by ClinVar (database versions not stated): ExAC 0.00002; TOPMed 0.00003; gnomAD 0.00004 and 0.00005; gnomAD exomes 0.00004.
gnomAD v4.1: 57 of 1,613,844 alleles (0.0035%); highest among the groups gnomAD compares: Admixed American, 0.023%; 1 homozygote.

Submissions (5):

Women's Health and Genetics/Laboratory Corporation of America, LabCorp
Classification: Likely benign. Last evaluated: 2026-04-16. Review status: criteria provided, single submitter. Criteria: LabCorp Variant Classification Summary - May 2015. Collection method: clinical testing. Allele origin: germline.
Comment: Variant summary: COL5A2 c.4471G>A (p.Val1491Ile) results in a conservative amino acid change located in the Fibrillar collagen, C-terminal domain (IPR000885) of the encoded protein sequence. Algorithms developed to predict the effect of missense changes on protein structure and function all suggest that this variant is likely to be tolerated. The variant allele was found at a frequency of 4.4e-05 in 251266 control chromosomes. The observed variant frequency exceeds the estimated maximal expected allele frequency for disease-causing variants in COL5A2. To our knowledge, no occurrence of c.4471G>A in individuals affected with COL5A2-related conditions and no experimental evidence demonstrating its impact on protein function have been reported. ClinVar contains an entry for this variant (Variation ID: 408282). Based on the evidence outlined above, the variant was classified as likely benign.

Labcorp Genetics (formerly Invitae), Labcorp
Classification: Benign for Ehlers-Danlos syndrome, classic type, 1. Last evaluated: 2025-09-28. Review status: criteria provided, single submitter. Criteria: Invitae Variant Classification Sherloc (09022015). Collection method: clinical testing. Allele origin: germline.

Mayo Clinic Laboratories, Mayo Clinic
Classification: Likely benign. Last evaluated: 2025-06-10. Review status: criteria provided, single submitter. Criteria: ACMG Guidelines, 2015. Collection method: clinical testing. Allele origin: germline. Observed: 1 variant allele.
Comment: BS1, BP4_moderate

Ambry Genetics
Classification: Likely benign for Familial thoracic aortic aneurysm and aortic dissection. Last evaluated: 2025-03-25. Review status: criteria provided, single submitter. Criteria: Ambry Variant Classification Scheme 2023. Collection method: clinical testing. Allele origin: germline.

CeGaT Center for Human Genetics Tuebingen
Classification: Likely benign. Last evaluated: 2024-03-01. Review status: criteria provided, single submitter. Criteria: CeGaT Center For Human Genetics Tuebingen Variant Classification Criteria Version 2. Collection method: clinical testing. Allele origin: germline. Affected: yes. Observed: 3 variant alleles.
Comment: COL5A2: BP4, BS2

NM_000393.5(COL5A2):c.4471G>A (p.Val1491Ile)

Gene: COL5A2 (collagen type V alpha 2 chain; minus strand). Cytogenetic location: 2q32.2.
Variant type: single nucleotide variant.
Coding change: c.4471G>A on transcript NM_000393.5 (MANE Select); coding-DNA position 4471, G replaced by A.
Protein change: p.Val1491Ile; replaces valine 1491 with isoleucine.
Molecular consequence: missense variant.
Genome position (GRCh38, 1-based): chr2:189,034,099, C>T on the plus strand (G>A on the coding strand, the complement: COL5A2 is on the minus strand). VCF-style: chr2-189034099-C-T. GRCh37 (hg19) VCF-style: chr2-189898825-C-T.
Other names: p.Val1491Ile; c.4471G>A (NM_000393.4); short protein forms V1491I.
Identifiers: ClinVar variation 408282 (VCV000408282.51), dbSNP rs200703515, ClinGen allele CA2021776.
Genomic context (GRCh38, chr2:189,034,099, plus strand): 5'-GGTGCTCATTGTCGATGTGTCTTGGCTTACTTTACACAAAACAAACTGGCCCAATTTCAA[C>T]GCCGAATTCCTGGTCTGTGCCGCCAACATCCACAGGAGCAAGATCTATGATGGGCAAGCG-3'
Protein context (NP_000384.2, residues 1481-1499): DVGGTDQEFG[Val1491Ile]EIGPVCFV